The following is an entry in ClinVar:

ClinVar aggregate classification (germline): Uncertain significance (1 of 4 stars; one submission).

Conditions:
Combined malonic and methylmalonic acidemia. Identifiers: Orphanet 289504, MedGen C3280314, MONDO:0013661, OMIM 614265.

gnomAD v4.1: 21 of 1,613,806 alleles (0.0013%); highest among the groups gnomAD compares: South Asian, 0.0099%; no homozygotes.

Submission:

Labcorp Genetics (formerly Invitae), Labcorp
Classification: Uncertain significance for Combined malonic and methylmalonic acidemia. Last evaluated: 2025-11-01. Review status: criteria provided, single submitter. Criteria: Invitae Variant Classification Sherloc (09022015). Collection method: clinical testing. Allele origin: germline.
Comment: This sequence change replaces glycine, which is neutral and non-polar, with arginine, which is basic and polar, at codon 87 of the ACSF3 protein (p.Gly87Arg). This variant is present in population databases (rs771723461, gnomAD 0.02%). This variant has not been reported in the literature in individuals affected with ACSF3-related conditions. Invitae Evidence Modeling of protein sequence and biophysical properties (such as structural, functional, and spatial information, amino acid conservation, physicochemical variation, residue mobility, and thermodynamic stability) has been performed for this missense variant. However, the output from this modeling did not meet the statistical confidence thresholds required to predict the impact of this variant on ACSF3 protein function. In summary, the available evidence is currently insufficient to determine the role of this variant in disease. Therefore, it has been classified as a Variant of Uncertain Significance.

NM_001243279.3(ACSF3):c.259G>A (p.Gly87Arg)

Gene: ACSF3 (acyl-CoA synthetase family member 3; plus strand). Cytogenetic location: 16q24.3.
Variant type: single nucleotide variant.
Coding change: c.259G>A on transcript NM_001243279.3 (MANE Select); coding-DNA position 259, G replaced by A.
Protein change: p.Gly87Arg; replaces glycine 87 with arginine.
Molecular consequence: missense variant. On other transcripts: non-coding transcript variant (3), intron variant (1).
Genome position (GRCh38, 1-based): chr16:89,100,940, G>A. VCF-style: chr16-89100940-G-A. GRCh37 (hg19) VCF-style: chr16-89167348-G-A.
Other names: c.259G>A, p.Gly87Arg (NM_001127214.4, NM_174917.5); c.-129-1664G>A (NM_001284316.2); short protein forms G87R.
Identifiers: ClinVar variation 4808785 (VCV004808785.1).